The following is an entry in ClinVar:

NM_016604.4(KDM3B):c.2717A>T (p.Asn906Ile)

Gene: KDM3B (lysine demethylase 3B; plus strand). Cytogenetic location: 5q31.2.
Variant type: single nucleotide variant.
Coding change: c.2717A>T on transcript NM_016604.4 (MANE Select); coding-DNA position 2717, A replaced by T.
Protein change: p.Asn906Ile; replaces asparagine 906 with isoleucine.
Molecular consequence: missense variant.
Genome position (GRCh38, 1-based): chr5:138,393,258, A>T. VCF-style: chr5-138393258-A-T. GRCh37 (hg19) VCF-style: chr5-137728947-A-T.
Other names: short protein forms N906I.
Identifiers: ClinVar variation 3033925 (VCV003033925.2), dbSNP rs751860678, ClinGen allele CA361111047.

ClinVar aggregate classification (germline): Uncertain significance (0 of 4 stars; one submission).

Conditions:
KDM3B-related disorder. Also called: KDM3B-related condition.

Submission:

PreventionGenetics, part of Exact Sciences
Classification: Uncertain significance for KDM3B-related condition. Last evaluated: 2024-01-24. Review status: no assertion criteria provided. Collection method: clinical testing. Allele origin: germline.
Comment: The KDM3B c.2717A>T variant is predicted to result in the amino acid substitution p.Asn906Ile. To our knowledge, this variant has not been reported in the literature or in a large population database, indicating this variant is rare. At this time, the clinical significance of this variant is uncertain due to the absence of conclusive functional and genetic evidence.